The following is an entry in ClinVar:

ClinVar aggregate classification (germline): Uncertain significance (1 of 4 stars; one submission).

Conditions:
Brugada syndrome. Also called: Sudden Unexplained Death Syndrome; Sudden Unexplained Nocturnal Death Syndrome (SUNDS); Sudden unexpected nocturnal death syndrome; Sudden unexplained nocturnal death syndrome. Identifiers: Orphanet 130, MedGen C1142166, MONDO:0015263.

Allele frequency attached by ClinVar (database versions not stated): TOPMed below 0.00001; gnomAD 0.00001; gnomAD exomes 0.00001.
gnomAD v4.1: 21 of 1,614,010 alleles (0.0013%); highest among the groups gnomAD compares: Non-Finnish European, 0.0017%; no homozygotes.

Submission:

Labcorp Genetics (formerly Invitae), Labcorp
Classification: Uncertain significance for Brugada syndrome. Last evaluated: 2025-06-23. Review status: criteria provided, single submitter. Criteria: Invitae Variant Classification Sherloc (09022015). Collection method: clinical testing. Allele origin: germline.
Comment: This sequence change replaces alanine, which is neutral and non-polar, with valine, which is neutral and non-polar, at codon 605 of the SLMAP protein (p.Ala605Val). This variant is present in population databases (no rsID available, gnomAD 0.0009%). This variant has not been reported in the literature in individuals affected with SLMAP-related conditions. ClinVar contains an entry for this variant (Variation ID: 2038241). An algorithm developed to predict the effect of missense changes on protein structure and function (PolyPhen-2) suggests that this variant is likely to be tolerated. In summary, the available evidence is currently insufficient to determine the role of this variant in disease. Therefore, it has been classified as a Variant of Uncertain Significance.

NM_001377540.1(SLMAP):c.1916C>T (p.Ala639Val)

Gene: SLMAP (sarcolemma associated protein; plus strand). Cytogenetic location: 3p14.3.
Variant type: single nucleotide variant.
Coding change: c.1916C>T on transcript NM_001377540.1 (MANE Select); coding-DNA position 1916, C replaced by T.
Protein change: p.Ala639Val; replaces alanine 639 with valine.
Molecular consequence: missense variant. On other transcripts: non-coding transcript variant (1).
Genome position (GRCh38, 1-based): chr3:57,912,597, C>T. VCF-style: chr3-57912597-C-T. GRCh37 (hg19) VCF-style: chr3-57898324-C-T.
Other names: c.1865C>T, p.Ala622Val (NM_001304420.3, NM_001377541.1, NM_001377542.1); c.1751C>T, p.Ala584Val (NM_001304421.2, NM_001377557.1, NM_001377559.1); c.467C>T, p.Ala156Val (NM_001304422.3, NM_001311178.2); c.269C>T, p.Ala90Val (NM_001304423.3); c.344C>T, p.Ala115Val (NM_001311179.2, NM_001377926.1, NM_001377927.1 and 1 more transcripts); c.1937C>T, p.Ala646Val (NM_001377538.1); c.1916C>T, p.Ala639Val (NM_001377539.1); c.1853C>T, p.Ala618Val (NM_001377545.1); and 8 more; short protein forms A156V, A564V, A577V, A598V, A601V, A605V, A622V, A646V.
Identifiers: ClinVar variation 2038241 (VCV002038241.4), dbSNP rs1420792918, ClinGen allele CA353408678.
Genomic context (GRCh38, chr3:57,912,597, plus strand): 5'-TTGCTTCTTTACAAGAAGAGCTTAAGAAGGTGAGAGCTGAGCTTGAGCGGTGGCGGAAAG[C>T]AGCGTCTGAATATGAGAAAGAAATCACAAGTCTGCAAAACAGTTTTCAGCTTAGATGTCA-3'
Protein context (NP_001364469.1, residues 629-649): VRAELERWRK[Ala639Val]ASEYEKEITS